The following is an entry in ClinVar:

ClinVar aggregate classification (germline): Likely benign (1 of 4 stars; one submission).

Conditions:
Cone-rod dystrophy 15 (CORD15). Identifiers: MedGen C3150912, MONDO:0013348, OMIM 613660.

Allele frequency attached by ClinVar (database versions not stated): TOPMed 0.00167; gnomAD 0.00189 and 0.00250; gnomAD exomes 0.00314; 1000 Genomes Project 30x 0.00344; 1000 Genomes Project 0.00379.

Submission:

Illumina Laboratory Services, Illumina
Classification: Likely benign for Cone-rod dystrophy 15. Last evaluated: 2018-01-13. Review status: criteria provided, single submitter. Criteria: ICSL Variant Classification Criteria 13 December 2019. Collection method: clinical testing. Allele origin: germline.
Comment: This variant was observed in the ICSL laboratory as part of a predisposition screen in an ostensibly healthy population. It had not been previously curated by ICSL or reported in the Human Gene Mutation Database (HGMD: prior to June 1st, 2018), and was therefore a candidate for classification through an automated scoring system. Utilizing variant allele frequency, disease prevalence and penetrance estimates, and inheritance mode, an automated score was calculated to assess if this variant is too frequent to cause the disease. Based on the score and internal cut-off values, a variant classified as likely benign is not then subjected to further curation. The score for this variant resulted in a classification of likely benign for this disease.

NM_033100.4(CDHR1):c.*3715C>T

Gene: CDHR1 (cadherin related family member 1; plus strand). Cytogenetic location: 10q23.1.
Variant type: single nucleotide variant.
Coding change: c.*3715C>T on transcript NM_033100.4 (MANE Select); 3715 bases downstream of the stop codon, C replaced by T.
Molecular consequence: 3 prime UTR variant. On other transcripts: intron variant (1).
Genome position (GRCh38, 1-based): chr10:84,218,336, C>T. VCF-style: chr10-84218336-C-T. GRCh37 (hg19) VCF-style: chr10-85978092-C-T.
Other names: c.2041-743C>T (NM_001171971.3).
Identifiers: ClinVar variation 878201 (VCV000878201.4), dbSNP rs192466673, ClinGen allele CA13248055.
Genomic context (GRCh38, chr10:84,218,336, plus strand): 5'-CTTAAGCGACCATCATTTGATCAATAAAGCAGAGTAGCAACAGGCTGATGTTGGGGACAT[C>T]GGTTTGATGTTATAAAATCGTGCACATGTACCCCTTTTGAGGCCTGAATGAGGTTCGGTT-3'